The following is an entry in ClinVar:

ClinVar aggregate classification (germline): Likely pathogenic (1 of 4 stars; one submission).

Conditions:
Immunodeficiency 57. Also called: IMMUNODEFICIENCY 57 WITH AUTOINFLAMMATION. Identifiers: MedGen C4748212, MONDO:0020849, OMIM 618108.

Submission:

Clinical Genomics Laboratory, Washington University in St. Louis
Classification: Likely pathogenic for Immunodeficiency 57. Last evaluated: 2025-11-07. Review status: criteria provided, single submitter. Criteria: ACMG Guidelines, 2015. Collection method: clinical testing. Allele origin: germline. Affected: yes.
Comment: The RIPK1 c.688+2T>G variant, to our knowledge, has not been reported in the medical literature. This variant is absent from the general population (gnomAD v.4.1.0), indicating it is not a common variant. This variant occurs within the canonical splice donor site, which is predicted to cause skipping of the exon, leading to an out-of-frame transcript. Based on available information and the ACMG/AMP guidelines for variant interpretation (Richards S et al., PMID: 25741868), this variant is classified as likely pathogenic.

NM_001354930.2(RIPK1):c.688+2T>G

Gene: RIPK1 (receptor interacting serine/threonine kinase 1; plus strand). Cytogenetic location: 6p25.2.
Variant type: single nucleotide variant.
Coding change: c.688+2T>G on transcript NM_001354930.2 (MANE Select); the canonical splice donor site of the intron after coding-DNA position 688, T replaced by G.
Molecular consequence: splice donor variant.
Genome position (GRCh38, 1-based): chr6:3,083,315, T>G. VCF-style: chr6-3083315-T-G. GRCh37 (hg19) VCF-style: chr6-3083549-T-G.
Other names: c.199+2T>G (NM_001354933.2, NM_001317061.3, NM_001354932.2 and 1 more transcripts); c.688+2T>G (NM_003804.6); c.550+2T>G (NM_001354931.2).
Identifiers: ClinVar variation 4879531 (VCV004879531.1).